The following is an entry in ClinVar:

NM_000416.3(IFNGR1):c.85+56_85+74dup

Gene: IFNGR1 (interferon gamma receptor 1; minus strand). Cytogenetic location: 6q23.3.
Variant type: Duplication.
Coding change: c.85+56_85+74dup on transcript NM_000416.3 (MANE Select); bases 56 to 74 of the intron after coding-DNA position 85, 19 bases duplicated (TCCGCCCCAGCCGGGAAGC).
Molecular consequence: intron variant. On other transcripts: 5 prime UTR variant (2).
Genome position (GRCh38, 1-based): chr6:137,219,169-137,219,187, GCTTCCCGGCTGGGGCGGA duplicated on the plus strand (TCCGCCCCAGCCGGGAAGC on the coding strand, the reverse complement: IFNGR1 is on the minus strand). VCF-style (leftmost placement, unchanged base first): chr6-137219168-G-GGCTTCCCGGCTGGGGCGGA. GRCh37 (hg19) VCF-style: chr6-137540305-G-GGCTTCCCGGCTGGGGCGGA.
Other names: c.-260_-242dup (NM_001363526.1); c.-554_-536dup (NM_001363527.1).
Identifiers: ClinVar variation 1677130 (VCV001677130.1), dbSNP rs1414548029, ClinGen allele CA570588913.

ClinVar aggregate classification (germline): Benign (1 of 4 stars; one submission).

Allele frequency attached by ClinVar (database versions not stated): gnomAD exomes 0.00002; gnomAD 0.00014.

Submission:

Women's Health and Genetics/Laboratory Corporation of America, LabCorp
Classification: Benign. Last evaluated: 2022-03-02. Review status: criteria provided, single submitter. Criteria: LabCorp Variant Classification Summary - May 2015. Collection method: clinical testing. Allele origin: germline.
Comment: Variant summary: IFNGR1 c.85+56_85+74dup19 is located at a position not widely known to affect splicing. 4/4 computational tools predict no significant impact on normal splicing. However, these predictions have yet to be confirmed by functional studies. The variant allele was found at a frequency of 0.00014 in 152184 control chromosomes, predominantly at a frequency of 0.00051 within the African or African-American subpopulation in the gnomAD v3 database (genomes data). The observed variant frequency within African or African-American control individuals in the gnomAD v3 database is approximately 816 fold of the estimated maximal expected allele frequency for a pathogenic variant in IFNGR1 causing Interferon Gamma Receptor Deficiency phenotype (6.3e-07), strongly suggesting that the variant is a benign polymorphism found primarily in populations of African or African-American origin. To our knowledge, no occurrence of c.85+56_85+74dup19 in individuals affected with Interferon Gamma Receptor Deficiency and no experimental evidence demonstrating its impact on protein function have been reported. No clinical diagnostic laboratories have submitted clinical-significance assessments for this variant to ClinVar after 2014. Based on the evidence outlined above, the variant was classified as benign.